The following is an entry in ClinVar:

NM_004006.3(DMD):c.3925C>G (p.Leu1309Val)

Gene: DMD (dystrophin; minus strand). Cytogenetic location: Xp21.1.
Variant type: single nucleotide variant.
Coding change: c.3925C>G on transcript NM_004006.3 (MANE Select); coding-DNA position 3925, C replaced by G.
Protein change: p.Leu1309Val; replaces leucine 1309 with valine.
Molecular consequence: missense variant.
Genome position (GRCh38, 1-based): chrX:32,438,387, G>C on the plus strand (C>G on the coding strand, the complement: DMD is on the minus strand). VCF-style: chrX-32438387-G-C. GRCh37 (hg19) VCF-style: chrX-32456504-G-C.
Other names: c.3901C>G, p.Leu1301Val (NM_000109.4); c.3913C>G, p.Leu1305Val (NM_004009.3); c.3556C>G, p.Leu1186Val (NM_004010.3); short protein forms L1305V, L1186V, L1301V, L1309V.
Identifiers: ClinVar variation 1044762 (VCV001044762.10), dbSNP rs1060502642, ClinGen allele CA412669551.

ClinVar aggregate classification (germline): Uncertain significance (1 of 4 stars; one submission).

Conditions:
Duchenne muscular dystrophy (DMD). Also called: MUSCULAR DYSTROPHY, PSEUDOHYPERTROPHIC PROGRESSIVE, DUCHENNE TYPE; Duchenne Muscular Dystrophy (DMD). Identifiers: Orphanet 98896, MedGen C0013264, MONDO:0010679, OMIM 310200.

Submission:

Labcorp Genetics (formerly Invitae), Labcorp
Classification: Uncertain significance for Duchenne muscular dystrophy. Last evaluated: 2020-02-02. Review status: criteria provided, single submitter. Criteria: Invitae Variant Classification Sherloc (09022015). Collection method: clinical testing. Allele origin: germline.
Comment: In summary, the available evidence is currently insufficient to determine the role of this variant in disease. Therefore, it has been classified as a Variant of Uncertain Significance. Algorithms developed to predict the effect of sequence changes on RNA splicing suggest that this variant may create or strengthen a splice site, but this prediction has not been confirmed by published transcriptional studies. Algorithms developed to predict the effect of missense changes on protein structure and function (SIFT, PolyPhen-2, Align-GVGD) all suggest that this variant is likely to be disruptive, but these predictions have not been confirmed by published functional studies and their clinical significance is uncertain. This variant has not been reported in the literature in individuals with DMD-related conditions. This variant is not present in population databases (ExAC no frequency). This sequence change replaces leucine with valine at codon 1309 of the DMD protein (p.Leu1309Val). The leucine residue is highly conserved and there is a small physicochemical difference between leucine and valine.